The following is an entry in ClinVar:

ClinVar aggregate classification (germline): Conflicting classifications of pathogenicity. Review status: criteria provided, conflicting classifications (1 of 4 stars). 2 submissions from 2 submitters: Uncertain significance (1); Likely benign (1). Last evaluated 2023-03-01.

Conditions:
Glycogen storage disease due to lactate dehydrogenase H-subunit deficiency. Identifiers: Orphanet 284435, MedGen C3279904, MONDO:0013587, OMIM 614128.

Allele frequency attached by ClinVar (database versions not stated): gnomAD 0.00007; gnomAD exomes 0.00008 and 0.00013; ESP Exome Variant Server 0.00023; ExAC 0.00009; TOPMed 0.00009.
gnomAD v4.1: 201 of 1,585,324 alleles (0.013%); highest among the groups gnomAD compares: East Asian, 0.027%; no homozygotes.

Submissions (2):

CeGaT Center for Human Genetics Tuebingen
Classification: Likely benign. Last evaluated: 2023-03-01. Review status: criteria provided, single submitter. Criteria: CeGaT Center For Human Genetics Tuebingen Variant Classification Criteria Version 2. Collection method: clinical testing. Allele origin: germline. Affected: yes. Observed: 1 variant allele.
Comment: LDHB: BP4

Illumina Laboratory Services, Illumina
Classification: Uncertain significance for Glycogen storage disease due to lactate dehydrogenase H-subunit deficiency. Last evaluated: 2018-01-12. Review status: criteria provided, single submitter. Criteria: ICSL Variant Classification Criteria 13 December 2019. Collection method: clinical testing. Allele origin: germline.

NM_002300.8(LDHB):c.130-8G>A

Gene: LDHB (lactate dehydrogenase B; minus strand). Cytogenetic location: 12p12.1.
Variant type: single nucleotide variant.
Coding change: c.130-8G>A on transcript NM_002300.8 (MANE Select); 8 bases into the intron before coding-DNA position 130, G replaced by A.
Molecular consequence: intron variant.
Genome position (GRCh38, 1-based): chr12:21,647,024, C>T on the plus strand (G>A on the coding strand, the complement: LDHB is on the minus strand). VCF-style: chr12-21647024-C-T. GRCh37 (hg19) VCF-style: chr12-21799958-C-T.
Other names: c.130-8G>A (NM_001315537.2, NM_001174097.3).
Identifiers: ClinVar variation 882520 (VCV000882520.28), dbSNP rs369064312, ClinGen allele CA6480544.